The following is an entry in ClinVar:

NM_000059.4(BRCA2):c.7003T>C (p.Phe2335Leu)

Gene: BRCA2 (BRCA2 DNA repair associated; plus strand). Cytogenetic location: 13q13.1.
Variant type: single nucleotide variant.
Coding change: c.7003T>C on transcript NM_000059.4 (MANE Select); coding-DNA position 7003, T replaced by C.
Protein change: p.Phe2335Leu; replaces phenylalanine 2335 with leucine.
Molecular consequence: missense variant. On other transcripts: non-coding transcript variant (1).
Genome position (GRCh38, 1-based): chr13:32,346,892, T>C. VCF-style: chr13-32346892-T-C. GRCh37 (hg19) VCF-style: chr13-32921029-T-C.
Other names: c.2071T>C, p.Phe691Leu (NM_001406721.1); c.586T>C, p.Phe196Leu (NM_001406722.1); c.7003T>C, p.Phe2335Leu (NM_001432077.1, NM_001406720.1); c.6907T>C, p.Phe2303Leu (NM_001406719.1); short protein forms F196L, F2303L, F2335L, F691L.
Identifiers: ClinVar variation 4802335 (VCV004802335.1).

ClinVar aggregate classification (germline): Uncertain significance (1 of 4 stars; one submission).

Conditions:
Hereditary breast ovarian cancer syndrome. Also called: Hereditary breast and ovarian cancer syndrome (HBOC); Hereditary breast and ovarian cancer; Breast and ovarian cancer; Hereditary breast and/or ovarian cancer syndrome; BRCA1- and BRCA2-Associated Hereditary Breast and Ovarian Cancer; Hereditary breast and ovarian cancer syndrome. Identifiers: Orphanet 145, MedGen C0677776, MeSH D061325, MONDO:0003582. Disease mechanism: loss of function.

Submission:

Labcorp Genetics (formerly Invitae), Labcorp
Classification: Uncertain significance for Hereditary breast ovarian cancer syndrome. Last evaluated: 2025-12-17. Review status: criteria provided, single submitter. Criteria: Invitae Variant Classification Sherloc (09022015). Collection method: clinical testing. Allele origin: germline.
Comment: This sequence change replaces phenylalanine, which is neutral and non-polar, with leucine, which is neutral and non-polar, at codon 2335 of the BRCA2 protein (p.Phe2335Leu). This variant is not present in population databases (gnomAD no frequency). This variant has not been reported in the literature in individuals affected with BRCA2-related conditions. Invitae Evidence Modeling of protein sequence and biophysical properties (such as structural, functional, and spatial information, amino acid conservation, physicochemical variation, residue mobility, and thermodynamic stability) indicates that this missense variant is not expected to disrupt BRCA2 protein function with a negative predictive value of 95%. In summary, the available evidence is currently insufficient to determine the role of this variant in disease. Therefore, it has been classified as a Variant of Uncertain Significance.